The following is an entry in ClinVar:

NM_007294.4(BRCA1):c.1745C>T (p.Thr582Met)

Gene: BRCA1 (BRCA1 DNA repair associated; minus strand). Cytogenetic location: 17q21.31.
Variant type: single nucleotide variant.
Coding change: c.1745C>T on transcript NM_007294.4 (MANE Select); coding-DNA position 1745, C replaced by T.
Protein change: p.Thr582Met; replaces threonine 582 with methionine.
Molecular consequence: missense variant. On other transcripts: intron variant (137).
Genome position (GRCh38, 1-based): chr17:43,093,786, G>A on the plus strand (C>T on the coding strand, the complement: BRCA1 is on the minus strand). VCF-style: chr17-43093786-G-A. GRCh37 (hg19) VCF-style: chr17-41245803-G-A.
Other names: c.1532C>T, p.Thr511Met (NM_001407894.1, NM_001407915.1, NM_001407916.1 and 9 more transcripts); c.1535C>T, p.Thr512Met (NM_001407907.1, NM_001407908.1, NM_001407909.1 and 13 more transcripts); c.1622C>T, p.Thr541Met (NM_001407919.1, NM_001407937.1, NM_001407938.1 and 19 more transcripts); c.1481C>T, p.Thr494Met (NM_001407920.1, NM_001407933.1, NM_001407935.1 and 9 more transcripts); c.1478C>T, p.Thr493Met (NM_001407930.1, NM_001407931.1, NM_001407932.1 and 2 more transcripts); c.1412C>T, p.Thr471Met (NM_001407949.1, NM_001407950.1, NM_001407951.1 and 6 more transcripts); c.1409C>T, p.Thr470Met (NM_001407954.1, NM_001407955.1, NM_001407956.1 and 1 more transcripts); c.1742C>T, p.Thr581Met (NM_001407614.1, NM_001407615.1, NM_001407633.1 and 22 more transcripts); and 40 more; short protein forms T582M, T535M, T493M, T514M, T540M, T555M, T286M, T455M.
Identifiers: ClinVar variation 185698 (VCV000185698.38), dbSNP rs786202386, ClinGen allele CA001143.

ClinVar aggregate classification (germline): Conflicting classifications of pathogenicity. Review status: criteria provided, conflicting classifications (1 of 4 stars). 12 submissions from 12 submitters: Uncertain significance (10); Likely benign (2). Last evaluated 2026-01-18.

Conditions:
Familial cancer of breast. Also called: BREAST CANCER, FAMILIAL; Hereditary breast cancer; hereditary breast carcinoma. Identifiers: Orphanet 227535, MedGen C0346153, MONDO:0016419, OMIM 114480. Disease mechanism: loss of function.
Pancreatic cancer, susceptibility to, 4. Identifiers: Orphanet 1333, MedGen C3280442, MONDO:0013685, OMIM 614320.
Fanconi anemia, complementation group S (FANCS). Identifiers: MedGen C4554406, MONDO:0054748, OMIM 617883.
Breast-ovarian cancer, familial, susceptibility to, 1 (BROVCA1). Also called: OVARIAN CANCER, SUSCEPTIBILITY TO; BRCA1 Hereditary Breast and Ovarian Cancer. Identifiers: Orphanet 145, MedGen C2676676, MONDO:0011450, OMIM 604370. Disease mechanism: loss of function.
Hereditary breast ovarian cancer syndrome. Also called: Hereditary breast and ovarian cancer syndrome; Hereditary breast and ovarian cancer syndrome (HBOC); BRCA1- and BRCA2-Associated Hereditary Breast and Ovarian Cancer; Breast and ovarian cancer; Hereditary breast and ovarian cancer; Hereditary breast and/or ovarian cancer syndrome. Identifiers: Orphanet 145, MedGen C0677776, MeSH D061325, MONDO:0003582. Disease mechanism: loss of function.
Hereditary cancer-predisposing syndrome. Also called: Hereditary Cancer Syndrome; Hereditary neoplastic syndrome; Tumor predisposition; Neoplastic Syndromes, Hereditary. Identifiers: Orphanet 140162, MedGen C0027672, MeSH D009386, MONDO:0015356.
BRCA1-related cancer predisposition. Identifiers: MedGen CN377757, MONDO:0700268.

Allele frequency attached by ClinVar (database versions not stated): gnomAD 0.00001; gnomAD exomes 0.00001.
gnomAD v4.1: 15 of 1,613,436 alleles (0.00093%); highest among the groups gnomAD compares: Non-Finnish European, 0.0011%; no homozygotes.

Submissions (12):

Labcorp Genetics (formerly Invitae), Labcorp
Classification: Likely benign for Hereditary breast ovarian cancer syndrome. Last evaluated: 2026-01-18. Review status: criteria provided, single submitter. Criteria: Invitae Variant Classification Sherloc (09022015). Collection method: clinical testing. Allele origin: germline.

Color Diagnostics, LLC DBA Color Health
Classification: Uncertain significance for Hereditary cancer-predisposing syndrome. Last evaluated: 2025-07-30. Review status: criteria provided, single submitter. Criteria: ACMG Guidelines, 2015. Collection method: clinical testing. Allele origin: germline.
Comment: This missense variant replaces threonine with methionine at codon 582 of the BRCA1 protein. Computational prediction suggests that this variant may not impact protein structure and function. To our knowledge, functional studies have not been reported for this variant. This variant has been reported in at least one individual affected with breast or ovarian cancer and in five suspected hereditary breast and ovarian cancer families (PMID: 27376475, 28364669, 30725392, 34026625, 34981296), and this variant also has been detected in a breast cancer case-control meta-analysis in 1/60466 cases and 1/53461 unaffected individuals (PMID: 33471991Leiden Open Variation Database DB-ID BRCA1_002048). Multifactorial analysis has reached a combined likelihood ratio (LR) of 0.622 based on reported LR for co-occurrence with a pathogenic variant and personal and family history for 4 carriers (PMID: 31131967, 31853058). This variant has been identified in 1/31360 chromosomes in the general population by the Genome Aggregation Database (gnomAD). The available evidence is insufficient to determine the role of this variant in disease conclusively. Therefore, this variant is classified as a Variant of Uncertain Significance.

Ambry Genetics
Classification: Uncertain significance for Hereditary cancer-predisposing syndrome. Last evaluated: 2025-03-27. Review status: criteria provided, single submitter. Criteria: Ambry Variant Classification Scheme 2023. Collection method: clinical testing. Allele origin: germline.
Comment: The p.T582M variant (also known as c.1745C>T), located in coding exon 9 of the BRCA1 gene, results from a C to T substitution at nucleotide position 1745. The threonine at codon 582 is replaced by methionine, an amino acid with similar properties. In addition, this alteration was reported in 1/200 Italian individuals selected for genetic testing of BRCA1/2 according to NCCN guidelines (Doddato G et al. Front Oncol. 2021 May;11:649435). This amino acid position is poorly conserved in available vertebrate species. In addition, the in silico prediction for this alteration is inconclusive. Since supporting evidence is limited at this time, the clinical significance of this alteration remains unclear.

Women's Health and Genetics/Laboratory Corporation of America, LabCorp
Classification: Uncertain significance. Last evaluated: 2024-08-20. Review status: criteria provided, single submitter. Criteria: LabCorp Variant Classification Summary - May 2015. Collection method: clinical testing. Allele origin: germline.
Comment: Variant summary: BRCA1 c.1745C>T (p.Thr582Met) results in a non-conservative amino acid change in the encoded protein sequence. Three of five in-silico tools predict a damaging effect of the variant on protein function. The variant was absent in 250772 control chromosomes. The available data on variant occurrences in the general population are insufficient to allow any conclusion about variant significance. c.1745C>T has been reported in the literature in individuals affected with Breast or Ovarian Cancer (Ryu_2017, Doddato_2021, Hovland_2022, Tsaousis_2019), as well as in one control subject and one patient from a large case-control study evaluating breast cancer genetic risk (Dorling_2021). These report(s) do not provide unequivocal conclusions about association of the variant with Hereditary Breast And Ovarian Cancer Syndrome.. To our knowledge, no experimental evidence demonstrating an impact on protein function has been reported. The following publications have been ascertained in the context of this evaluation (PMID: 34026625, 34981296, 28364669, 31159747, 33471991). ClinVar contains an entry for this variant (Variation ID: 185698). Based on the evidence outlined above, the variant was classified as uncertain significance.

Quest Diagnostics Nichols Institute San Juan Capistrano
Classification: Uncertain significance. Last evaluated: 2024-08-16. Review status: criteria provided, single submitter. Criteria: Quest Diagnostics criteria. Collection method: clinical testing. Allele origin: unknown.
Comment: The BRCA1 c.1745C>T (p.Thr582Met) variant has been reported in the published literature in individuals with a personal and/or family history of breast and/or ovarian cancer (PMID: 27376475 (2016), 28364669 (2017), 30725392 (2019), 34026625 (2021), 34981296 (2022), 37335020 (2023)). In a large breast cancer-association study, this variant was reported in an individual with breast cancer and in a reportedly healthy individual (PMID: 33471991 (2021), see also LOVD). The frequency of this variant in the general population, 0.000032 (1/31360 chromosomes (Genome Aggregation Database)), is uninformative in the assessment of its pathogenicity. Analysis of this variant using bioinformatics tools (i.e. MutationTaster and PolyPhen-2) for the prediction of the effect of amino acid changes on protein structure and function yielded conflicting predictions that this variant is inconclusive or disease causing. Based on the available information, we are unable to determine the clinical significance of this variant.

All of Us Research Program, National Institutes of Health
Classification: Uncertain significance for BRCA1-related cancer predisposition. Last evaluated: 2024-08-06. Review status: criteria provided, single submitter. Criteria: ACMG Guidelines, 2015. Collection method: clinical testing. Allele origin: germline. Inheritance: Autosomal dominant inheritance. Observed: 1 variant allele, 1 heterozygote.
Comment: This missense variant replaces threonine with methionine at codon 582 of the BRCA1 protein. Computational prediction suggests that this variant may not impact protein structure and function (internally defined REVEL score threshold <= 0.5, PMID: 27666373). To our knowledge, functional studies have not been reported for this variant. This variant has been reported in at least two individuals with personal and/or family history of breast and/or ovarian cancer (PMID: 27376475, 28364669, 30725392). This variant has been identified in 1/31360 chromosomes in the general population by the Genome Aggregation Database (gnomAD). The available evidence is insufficient to determine the role of this variant in disease conclusively. Therefore, this variant is classified as a Variant of Uncertain Significance.

This study involves interpretation of variants in research participants for the purpose of population health screening. Participant phenotype was not available at the time of variant classification. Additional details can be found in publication PMID: 35346344, PMCID: PMC8962531

University of Washington Department of Laboratory Medicine, University of Washington
Classification: Likely benign for Hereditary cancer-predisposing syndrome. Last evaluated: 2023-03-23. Review status: criteria provided, single submitter. Criteria: Dines et al. (Genet Med. 2020). Collection method: curation. Allele origin: germline.
Comment: Missense variant in a coldspot region where missense variants are very unlikely to be pathogenic (PMID:31911673).

BRCA1 coldspot (exon 11 using historical exon numbering). Reclassification based on statistical prior probability

GeneDx
Classification: Uncertain significance. Last evaluated: 2022-06-02. Review status: criteria provided, single submitter. Criteria: GeneDx Variant Classification Process June 2021. Collection method: clinical testing. Allele origin: germline. Affected: yes.
Comment: Observed in individuals with a personal and/or family history of breast, ovarian, or pancreatic cancer (Schenkel 2016, Ryu 2017, So 2019, Doddato 2021); In silico analysis supports that this missense variant has a deleterious effect on protein structure/function; Not observed at a significant frequency in large population cohorts (gnomAD); Also known as 1864C>T; This variant is associated with the following publications: (PMID: 25011685, 31159747, 27376475, 26832770, 28364669, 31131967, 30725392, 15343273, 34026625)

Blueprint Genetics
Classification: Uncertain significance. Last evaluated: 2020-11-05. Review status: criteria provided, single submitter. Criteria: ACMG Guidelines, 2015. Collection method: clinical testing. Allele origin: germline.

Fulgent Genetics
Classification: Uncertain significance for Familial cancer of breast; Breast-ovarian cancer, familial, susceptibility to, 1; Pancreatic cancer, susceptibility to, 4; Fanconi anemia, complementation group S. Last evaluated: 2018-10-31. Review status: criteria provided, single submitter. Criteria: ACMG Guidelines, 2015. Collection method: clinical testing. Allele origin: unknown.

GeneKor MSA
Classification: Uncertain significance for Hereditary cancer-predisposing syndrome. Last evaluated: 2018-08-01. Review status: criteria provided, single submitter. Criteria: ACMG Guidelines, 2015. Collection method: clinical testing. Allele origin: germline. Affected: yes.

Illumina Laboratory Services, Illumina
Classification: Uncertain significance for Breast-ovarian cancer, familial, susceptibility to, 1. Last evaluated: 2018-01-13. Review status: criteria provided, single submitter. Criteria: ICSL Variant Classification Criteria 13 December 2019. Collection method: clinical testing. Allele origin: germline.

Literature cited by the submitters: PubMed 27376475 (cited by 4 submitters); PubMed 28364669 (cited by 5 submitters); PubMed 30725392 (cited by 3 submitters); PubMed 31131967 (cited by Color Diagnostics, LLC DBA Color Health and Quest Diagnostics Nichols Institute San Juan Capistrano); PubMed 31853058 (cited by Color Diagnostics, LLC DBA Color Health and Quest Diagnostics Nichols Institute San Juan Capistrano); PubMed 33471991 (cited by 3 submitters); PubMed 34026625 (cited by 4 submitters); PubMed 34981296 (cited by 3 submitters); PubMed 31159747 (cited by 3 submitters); PubMed 31911673 (cited by Quest Diagnostics Nichols Institute San Juan Capistrano); PubMed 37335020 (cited by Quest Diagnostics Nichols Institute San Juan Capistrano); PubMed 28726806 (cited by Quest Diagnostics Nichols Institute San Juan Capistrano).